The following is an entry in ClinVar:

ClinVar aggregate classification (germline): Uncertain significance. Review status: criteria provided, multiple submitters, no conflicts (2 of 4 stars). 4 submissions from 4 submitters: Uncertain significance (4). Last evaluated 2025-03-07.

Conditions:
Hereditary cancer-predisposing syndrome. Also called: Neoplastic Syndromes, Hereditary; Hereditary Cancer Syndrome; Hereditary neoplastic syndrome; Tumor predisposition. Identifiers: Orphanet 140162, MedGen C0027672, MeSH D009386, MONDO:0015356.
Multiple endocrine neoplasia, type 1 (MEN1). Also called: MEN I; WERMER SYNDROME; Endocrine adenomatosis multiple; MEN 1; MEA I. Identifiers: Orphanet 652, MedGen C0025267, MeSH D018761, MONDO:0007540, OMIM 131100.

Allele frequency attached by ClinVar (database versions not stated): TOPMed below 0.00001; gnomAD 0.00001; ESP Exome Variant Server 0.00008.
gnomAD v4.1: 1 of 1,614,074 alleles (0.000062%); highest among the groups gnomAD compares: Non-Finnish European, 0.000085%; no homozygotes.

Submissions (4):

Labcorp Genetics (formerly Invitae), Labcorp
Classification: Uncertain significance for Multiple endocrine neoplasia, type 1. Last evaluated: 2025-03-07. Review status: criteria provided, single submitter. Criteria: Invitae Variant Classification Sherloc (09022015). Collection method: clinical testing. Allele origin: germline.
Comment: This sequence change replaces tyrosine, which is neutral and polar, with cysteine, which is neutral and slightly polar, at codon 327 of the MEN1 protein (p.Tyr327Cys). This variant is not present in population databases (gnomAD no frequency). This variant has not been reported in the literature in individuals affected with MEN1-related conditions. ClinVar contains an entry for this variant (Variation ID: 573476). Invitae Evidence Modeling of protein sequence and biophysical properties (such as structural, functional, and spatial information, amino acid conservation, physicochemical variation, residue mobility, and thermodynamic stability) indicates that this missense variant is expected to disrupt MEN1 protein function with a positive predictive value of 80%. In summary, the available evidence is currently insufficient to determine the role of this variant in disease. Therefore, it has been classified as a Variant of Uncertain Significance.

All of Us Research Program, National Institutes of Health
Classification: Uncertain significance for Multiple endocrine neoplasia, type 1. Last evaluated: 2024-03-05. Review status: criteria provided, single submitter. Criteria: ACMG Guidelines, 2015. Collection method: clinical testing. Allele origin: germline. Inheritance: Autosomal dominant inheritance. Observed: 1 variant allele, 1 heterozygote.
Comment: This study involves interpretation of variants in research participants for the purpose of population health screening. Participant phenotype was not available at the time of variant classification. Additional details can be found in publication PMID: 35346344, PMCID: PMC8962531

Ambry Genetics
Classification: Uncertain significance for Hereditary cancer-predisposing syndrome. Last evaluated: 2024-01-10. Review status: criteria provided, single submitter. Criteria: Ambry Variant Classification Scheme 2023. Collection method: clinical testing. Allele origin: germline.
Comment: The p.Y327C variant (also known as c.980A>G), located in coding exon 6 of the MEN1 gene, results from an A to G substitution at nucleotide position 980. The tyrosine at codon 327 is replaced by cysteine, an amino acid with highly dissimilar properties. This amino acid position is not well conserved in available vertebrate species. In addition, this alteration is predicted to be deleterious by in silico analysis. Since supporting evidence is limited at this time, the clinical significance of this alteration remains unclear.

GeneDx
Classification: Uncertain significance. Last evaluated: 2023-07-26. Review status: criteria provided, single submitter. Criteria: GeneDx Variant Classification Process June 2021. Collection method: clinical testing. Allele origin: germline.
Comment: Not observed at significant frequency in large population cohorts (gnomAD); In silico analysis supports that this missense variant has a deleterious effect on protein structure/function; Has not been previously published as pathogenic or benign to our knowledge; This variant is associated with the following publications: (PMID: 12874027, 9989505)

NM_001370259.2(MEN1):c.980A>G (p.Tyr327Cys)

Gene: MEN1 (menin 1; minus strand). Cytogenetic location: 11q13.1.
Variant type: single nucleotide variant.
Coding change: c.980A>G on transcript NM_001370259.2 (MANE Select); coding-DNA position 980, A replaced by G.
Protein change: p.Tyr327Cys; replaces tyrosine 327 with cysteine.
Molecular consequence: missense variant.
Genome position (GRCh38, 1-based): chr11:64,806,301, T>C on the plus strand (A>G on the coding strand, the complement: MEN1 is on the minus strand). VCF-style: chr11-64806301-T-C. GRCh37 (hg19) VCF-style: chr11-64573773-T-C.
Other names: c.995A>G, p.Tyr332Cys (NM_000244.4, NM_130800.3, NM_130801.3 and 3 more transcripts); c.980A>G, p.Tyr327Cys (NM_001370251.2, NM_001370260.2, NM_001370261.2 and 1 more transcripts); c.875A>G, p.Tyr292Cys (NM_001370262.2, NM_001370263.2); short protein forms Y327C, Y332C, Y292C.
Identifiers: ClinVar variation 573476 (VCV000573476.14), dbSNP rs377403837, ClinGen allele CA223914454.